The following is an entry in ClinVar:

NM_003906.5(MCM3AP):c.5042C>G (p.Pro1681Arg)

Genes: MCM3AP (minichromosome maintenance complex component 3 associated protein; minus strand), MCM3AP-AS1 (MCM3AP antisense RNA 1; plus strand). Cytogenetic location: 21q22.3.
Variant type: single nucleotide variant.
Coding change: c.5042C>G on transcript NM_003906.5 (MANE Select); coding-DNA position 5042, C replaced by G.
Protein change: p.Pro1681Arg; replaces proline 1681 with arginine.
Molecular consequence: missense variant.
Genome position (GRCh38, 1-based): chr21:46,243,719, G>C on the plus strand (C>G on the coding strand, the complement: MCM3AP is on the minus strand). VCF-style: chr21-46243719-G-C. GRCh37 (hg19) VCF-style: chr21-47663633-G-C.
Other names: c.5042C>G (NM_003906.3); short protein forms P1681R.
Identifiers: ClinVar variation 1306390 (VCV001306390.5), dbSNP rs750077026, ClinGen allele CA10075958.
Genomic context (GRCh38, chr21:46,243,719, plus strand): 5'-TGGCGTGAGCTGGGGATCTGGGAGGCGTACTGGACAACCATGGAGCACACGGGGAGCCAG[G>C]GGGCTGGGGAGAAAGTGCCTCATTAGTTACAGGTTTGGCCAAAATACAGGTGAAAATGTA-3'
Protein context (NP_003897.2, residues 1671-1691): PQMDLPPLGA[Pro1681Arg]WLPVCSMVVQ

ClinVar aggregate classification (germline): Uncertain significance. Review status: criteria provided, multiple submitters, no conflicts (2 of 4 stars). 3 submissions from 3 submitters: Uncertain significance (3). Last evaluated 2025-07-30.

Conditions:
Inborn genetic diseases. Identifiers: MedGen C0950123, MeSH D030342.

Allele frequency attached by ClinVar (database versions not stated): gnomAD 0.00001; ExAC 0.00002; gnomAD exomes 0.00002; TOPMed 0.00002.
gnomAD v4.1: 88 of 1,613,520 alleles (0.0055%); highest among the groups gnomAD compares: Non-Finnish European, 0.0074%; no homozygotes.

Submissions (3):

GeneDx
Classification: Uncertain significance. Last evaluated: 2025-07-30. Review status: criteria provided, single submitter. Criteria: GeneDx Variant Classification Process June 2021. Collection method: clinical testing. Allele origin: germline. Affected: yes.
Comment: Not observed at significant frequency in large population cohorts (gnomAD); In silico analysis supports that this missense variant has a deleterious effect on protein structure/function; Has not been previously published as pathogenic or benign to our knowledge

Labcorp Genetics (formerly Invitae), Labcorp
Classification: Uncertain significance. Last evaluated: 2022-11-01. Review status: criteria provided, single submitter. Criteria: Invitae Variant Classification Sherloc (09022015). Collection method: clinical testing. Allele origin: germline.
Comment: This sequence change replaces proline, which is neutral and non-polar, with arginine, which is basic and polar, at codon 1681 of the MCM3AP protein (p.Pro1681Arg). This variant is present in population databases (rs750077026, gnomAD 0.005%). This variant has not been reported in the literature in individuals affected with MCM3AP-related conditions. ClinVar contains an entry for this variant (Variation ID: 1306390). Algorithms developed to predict the effect of missense changes on protein structure and function are either unavailable or do not agree on the potential impact of this missense change (SIFT: "Deleterious"; PolyPhen-2: "Possibly Damaging"; Align-GVGD: "Class C0"). In summary, the available evidence is currently insufficient to determine the role of this variant in disease. Therefore, it has been classified as a Variant of Uncertain Significance.

Ambry Genetics
Classification: Uncertain significance for Inborn genetic diseases. Last evaluated: 2021-08-17. Review status: criteria provided, single submitter. Criteria: Ambry Variant Classification Scheme 2023. Collection method: clinical testing. Allele origin: germline.